The following is an entry in ClinVar:

ClinVar aggregate classification (germline): Uncertain significance (1 of 4 stars; one submission).

Submission:

GeneDx
Classification: Uncertain significance. Last evaluated: 2026-02-27. Review status: criteria provided, single submitter. Criteria: GeneDx Variant Classification Process June 2021. Collection method: clinical testing. Allele origin: germline.
Comment: Not observed at significant frequency in large population cohorts (gnomAD); Nonsense variant predicted to result in protein truncation or nonsense mediated decay in a gene or region of a gene for which loss of function is not a well-established mechanism of disease; Reported using an alternate transcript of the gene; Has not been previously published as pathogenic or benign to our knowledge

NM_001244008.2(KIF1A):c.2628C>A (p.Cys876Ter)

Gene: KIF1A (kinesin family member 1A; minus strand). Cytogenetic location: 2q37.3.
Variant type: single nucleotide variant.
Coding change: c.2628C>A on transcript NM_001244008.2 (MANE Select); coding-DNA position 2628, C replaced by A.
Protein change: p.Cys876Ter; replaces cysteine 876 with a stop codon.
Molecular consequence: nonsense. On other transcripts: intron variant (18).
Genome position (GRCh38, 1-based): chr2:240,757,549, G>T on the plus strand (C>A on the coding strand, the complement: KIF1A is on the minus strand). VCF-style: chr2-240757549-G-T. GRCh37 (hg19) VCF-style: chr2-241696966-G-T.
Other names: c.2703C>A, p.Cys901Ter (NM_001379631.1); c.2577C>A, p.Cys859Ter (NM_001379632.1); c.2601C>A, p.Cys867Ter (NM_001379633.1, NM_001379642.1, NM_001379645.1); c.2555+811C>A (NM_001379653.1, NM_001379650.1, NM_001379640.1 and 6 more transcripts); c.2657+811C>A (NM_001379635.1, NM_001330290.2, NM_001379646.1 and 1 more transcripts); c.2630+811C>A (NM_001379637.1, NM_001379648.1); c.2582+811C>A (NM_001320705.2, NM_001379638.1, NM_001330289.2); short protein forms C867*, C901*, C859*, C876*.
Identifiers: ClinVar variation 5008010 (VCV005008010.1).